The following is an entry in ClinVar:

ClinVar aggregate classification (germline): Uncertain significance (1 of 4 stars; one submission).

Conditions:
DICER1-related tumor predisposition. Also called: DICER1 syndrome; DICER1-related pleuropulmonary blastoma cancer predisposition syndrome. Identifiers: Orphanet 284343, MedGen C3839822, MONDO:0100216.

Submission:

Labcorp Genetics (formerly Invitae), Labcorp
Classification: Uncertain significance for DICER1-related tumor predisposition. Last evaluated: 2018-09-04. Review status: criteria provided, single submitter. Criteria: Invitae Variant Classification Sherloc (09022015). Collection method: clinical testing. Allele origin: germline.
Comment: In summary, the available evidence is currently insufficient to determine the role of this variant in disease. Therefore, it has been classified as a Variant of Uncertain Significance. Algorithms developed to predict the effect of missense changes on protein structure and function are either unavailable or do not agree on the potential impact of this missense change (SIFT: "Deleterious"; PolyPhen-2: "Probably Damaging"; Align-GVGD: "Class C0"). This variant has not been reported in the literature in individuals with DICER1-related disease. This variant is not present in population databases (ExAC no frequency). This sequence change replaces serine with alanine at codon 436 of the DICER1 protein (p.Ser436Ala). The serine residue is highly conserved and there is a moderate physicochemical difference between serine and alanine.

NM_177438.3(DICER1):c.1306T>G (p.Ser436Ala)

Gene: DICER1 (dicer 1, ribonuclease III; minus strand). Cytogenetic location: 14q32.13.
Variant type: single nucleotide variant.
Coding change: c.1306T>G on transcript NM_177438.3 (MANE Select); coding-DNA position 1306, T replaced by G.
Protein change: p.Ser436Ala; replaces serine 436 with alanine.
Molecular consequence: missense variant.
Genome position (GRCh38, 1-based): chr14:95,124,266, A>C on the plus strand (T>G on the coding strand, the complement: DICER1 is on the minus strand). VCF-style: chr14-95124266-A-C. GRCh37 (hg19) VCF-style: chr14-95590603-A-C.
Other names: c.1306T>G, p.Ser436Ala (NM_001195573.1, NM_001271282.3, NM_001291628.2 and 1 more transcripts); short protein forms S436A.
Identifiers: ClinVar variation 660044 (VCV000660044.10), dbSNP rs1060503595, ClinGen allele CA390886266.